The following is an entry in ClinVar:

NM_015375.3(DSTYK):c.2725A>G (p.Ile909Val)

Gene: DSTYK (dual serine/threonine and tyrosine protein kinase; minus strand). Cytogenetic location: 1q32.1.
Variant type: single nucleotide variant.
Coding change: c.2725A>G on transcript NM_015375.3 (MANE Select); coding-DNA position 2725, A replaced by G.
Protein change: p.Ile909Val; replaces isoleucine 909 with valine.
Molecular consequence: missense variant.
Genome position (GRCh38, 1-based): chr1:205,147,623, T>C on the plus strand (A>G on the coding strand, the complement: DSTYK is on the minus strand). VCF-style: chr1-205147623-T-C. GRCh37 (hg19) VCF-style: chr1-205116751-T-C.
Other names: c.2590A>G, p.Ile864Val (NM_199462.3); short protein forms I864V, I909V.
Identifiers: ClinVar variation 2900098 (VCV002900098.3), dbSNP rs2526765322, ClinGen allele CA344386409.

ClinVar aggregate classification (germline): Uncertain significance (1 of 4 stars; one submission).

Allele frequency attached by ClinVar (database versions not stated): gnomAD exomes below 0.00001.
gnomAD v4.1: 1 of 1,614,088 alleles (0.000062%); highest among the groups gnomAD compares: Non-Finnish European, 0.000085%; no homozygotes.

Submission:

Labcorp Genetics (formerly Invitae), Labcorp
Classification: Uncertain significance. Last evaluated: 2024-11-18. Review status: criteria provided, single submitter. Criteria: Invitae Variant Classification Sherloc (09022015). Collection method: clinical testing. Allele origin: germline.
Comment: This sequence change replaces isoleucine, which is neutral and non-polar, with valine, which is neutral and non-polar, at codon 909 of the DSTYK protein (p.Ile909Val). This variant is not present in population databases (gnomAD no frequency). This variant has not been reported in the literature in individuals affected with DSTYK-related conditions. ClinVar contains an entry for this variant (Variation ID: 2900098). An algorithm developed to predict the effect of missense changes on protein structure and function (PolyPhen-2) suggests that this variant is likely to be tolerated. In summary, the available evidence is currently insufficient to determine the role of this variant in disease. Therefore, it has been classified as a Variant of Uncertain Significance.